The following is an entry in ClinVar:

NM_033305.3(VPS13A):c.1099G>T (p.Glu367Ter)

Gene: VPS13A (vacuolar protein sorting 13 homolog A; plus strand). Cytogenetic location: 9q21.2.
Variant type: single nucleotide variant.
Coding change: c.1099G>T on transcript NM_033305.3 (MANE Select); coding-DNA position 1099, G replaced by T.
Protein change: p.Glu367Ter; replaces glutamic acid 367 with a stop codon.
Molecular consequence: nonsense.
Genome position (GRCh38, 1-based): chr9:77,221,294, G>T. VCF-style: chr9-77221294-G-T. GRCh37 (hg19) VCF-style: chr9-79836210-G-T.
Other names: c.1099G>T, p.Glu367Ter (NM_001018037.2, NM_001018038.3, NM_015186.4); short protein forms E367*.
Identifiers: ClinVar variation 1454374 (VCV001454374.7), dbSNP rs2131179950, ClinGen allele CA373844019.
Genomic context (GRCh38, chr9:77,221,294, plus strand): 5'-TTATGGATGTGGTCATGGAAGCATATTAGAAAACATAGGCAAAAAGTGAAGCAATATAAA[G>T]AACTGTATAAAAAAAAGTTAACAAGTAAGAAGCCACCTGGTGAACTTCTCGTGTCTTTGG-3'

ClinVar aggregate classification (germline): Pathogenic. Review status: criteria provided, multiple submitters, no conflicts (2 of 4 stars). 2 submissions from 2 submitters: Pathogenic (2). Last evaluated 2025-06-26.

Conditions:
VPS13A-related neurodegenerative disease. Also called: Choreoacanthocytosis; Chorea-acanthocytosis; Choreaacanthocytosis; VPS13A Disease; ACANTHOCYTOSIS WITH NEUROLOGIC DISORDER; LEVINE-CRITCHLEY SYNDROME. Identifiers: Orphanet 2388, MedGen C0393576, MONDO:0008695, OMIM 200150.

Allele frequency attached by ClinVar (database versions not stated): gnomAD exomes below 0.00001.
gnomAD v4.1: 2 of 1,613,394 alleles (0.00012%); highest among the groups gnomAD compares: Non-Finnish European, 0.00017%; no homozygotes.

Submissions (2):

Myriad Genetics, Inc.
Classification: Pathogenic for VPS13A-related neurodegenerative disease. Last evaluated: 2025-06-26. Review status: criteria provided, single submitter. Criteria: Myriad Autosomal Dominant, Autosomal Recessive and X-Linked Classification Criteria (2023). Collection method: clinical testing. Allele origin: unknown.
Comment: NM_033305.2(VPS13A):c.1099G>T(E367*) is expected to be pathogenic in the context of VPS13A disease. This variant is predicted to lead to an abnormal or absent protein product due to the creation of a premature termination codon in VPS13A, a gene where loss-of-function variants are known to be pathogenic. Please note: this variant was assessed in the context of healthy population screening.

Labcorp Genetics (formerly Invitae), Labcorp
Classification: Pathogenic. Last evaluated: 2021-08-03. Review status: criteria provided, single submitter. Criteria: Invitae Variant Classification Sherloc (09022015). Collection method: clinical testing. Allele origin: germline.
Comment: This variant has not been reported in the literature in individuals affected with VPS13A-related conditions. For these reasons, this variant has been classified as Pathogenic. This variant is not present in population databases (ExAC no frequency). This sequence change creates a premature translational stop signal (p.Glu367*) in the VPS13A gene. It is expected to result in an absent or disrupted protein product. Loss-of-function variants in VPS13A are known to be pathogenic (PMID: 12404112, 21598378).

Literature cited by the submitters: PubMed 12404112 (cited by Labcorp Genetics (formerly Invitae), Labcorp); PubMed 21598378 (cited by Labcorp Genetics (formerly Invitae), Labcorp).